The following is an entry in ClinVar:

NM_001376.5(DYNC1H1):c.10983G>C (p.Leu3661=)

Gene: DYNC1H1 (dynein cytoplasmic 1 heavy chain 1; plus strand). Cytogenetic location: 14q32.31.
Variant type: single nucleotide variant.
Coding change: c.10983G>C on transcript NM_001376.5 (MANE Select); coding-DNA position 10983, G replaced by C.
Protein change: p.Leu3661=; no amino-acid change (leucine 3661 retained).
Molecular consequence: synonymous variant.
Genome position (GRCh38, 1-based): chr14:102,038,534, G>C. VCF-style: chr14-102038534-G-C. GRCh37 (hg19) VCF-style: chr14-102504871-G-C.
Identifiers: ClinVar variation 4681537 (VCV004681537.5).

ClinVar aggregate classification (germline): Likely benign (1 of 4 stars; one submission).

Submission:

CeGaT Center for Human Genetics Tuebingen
Classification: Likely benign. Last evaluated: 2025-12-01. Review status: criteria provided, single submitter. Criteria: CeGaT Center For Human Genetics Tuebingen Variant Classification Criteria Version 2. Collection method: clinical testing. Allele origin: germline. Affected: yes. Observed: 1 variant allele.
Comment: DYNC1H1: PM2:Supporting, BP4, BP7